The following is an entry in ClinVar:

ClinVar aggregate classification (germline): Uncertain significance (1 of 4 stars; one submission).

Conditions:
Hereditary breast ovarian cancer syndrome. Also called: BRCA1- and BRCA2-Associated Hereditary Breast and Ovarian Cancer; Hereditary breast and ovarian cancer; Hereditary breast and ovarian cancer syndrome; Breast and ovarian cancer; Hereditary breast and/or ovarian cancer syndrome; Hereditary breast and ovarian cancer syndrome (HBOC). Identifiers: Orphanet 145, MedGen C0677776, MeSH D061325, MONDO:0003582. Disease mechanism: loss of function.

Submission:

Labcorp Genetics (formerly Invitae), Labcorp
Classification: Uncertain significance for Hereditary breast ovarian cancer syndrome. Last evaluated: 2021-10-18. Review status: criteria provided, single submitter. Criteria: Invitae Variant Classification Sherloc (09022015). Collection method: clinical testing. Allele origin: germline.
Comment: In summary, the available evidence is currently insufficient to determine the role of this variant in disease. Therefore, it has been classified as a Variant of Uncertain Significance. Algorithms developed to predict the effect of missense changes on protein structure and function are either unavailable or do not agree on the potential impact of this missense change (SIFT: "Deleterious"; PolyPhen-2: "Probably Damaging"; Align-GVGD: "Class C0"). This variant has not been reported in the literature in individuals affected with BRCA2-related conditions. This variant is not present in population databases (ExAC no frequency). This sequence change replaces alanine with valine at codon 2727 of the BRCA2 protein (p.Ala2727Val). The alanine residue is moderately conserved and there is a small physicochemical difference between alanine and valine.

NM_000059.4(BRCA2):c.8180C>T (p.Ala2727Val)

Gene: BRCA2 (BRCA2 DNA repair associated; plus strand). Cytogenetic location: 13q13.1.
Variant type: single nucleotide variant.
Coding change: c.8180C>T on transcript NM_000059.4 (MANE Select); coding-DNA position 8180, C replaced by T.
Protein change: p.Ala2727Val; replaces alanine 2727 with valine.
Molecular consequence: missense variant.
Genome position (GRCh38, 1-based): chr13:32,363,382, C>T. VCF-style: chr13-32363382-C-T. GRCh37 (hg19) VCF-style: chr13-32937519-C-T.
Other names: short protein forms A2727V.
Identifiers: ClinVar variation 1007501 (VCV001007501.7), dbSNP rs879255468, ClinGen allele CA387749648.